The following is an entry in ClinVar:

ClinVar aggregate classification (germline): Conflicting classifications of pathogenicity. Review status: criteria provided, conflicting classifications (1 of 4 stars). 3 submissions from 3 submitters: Uncertain significance (2); Likely benign (1). Last evaluated 2025-10-11.

Conditions:
Cardiovascular phenotype. Identifiers: MedGen CN230736.
Capillary malformation-arteriovenous malformation syndrome. Also called: Capillary malformation-arteriovenous malformation. Identifiers: Orphanet 137667, MedGen C1842180, MONDO:0012016.

Allele frequency attached by ClinVar (database versions not stated): gnomAD 0.00001 and 0.00003; gnomAD exomes 0.00007 and 0.00010; ExAC 0.00010; 1000 Genomes Project 30x 0.00016; 1000 Genomes Project 0.00020.
gnomAD v4.1: 105 of 1,602,280 alleles (0.0066%); highest among the groups gnomAD compares: South Asian, 0.085%; 1 homozygote.

Submissions (3):

Mayo Clinic Laboratories, Mayo Clinic
Classification: Uncertain significance. Last evaluated: 2025-10-11. Review status: criteria provided, single submitter. Criteria: ACMG Guidelines, 2015. Collection method: clinical testing. Allele origin: germline. Observed: 2 variant alleles.
Comment: PP2

Labcorp Genetics (formerly Invitae), Labcorp
Classification: Uncertain significance for Capillary malformation-arteriovenous malformation syndrome. Last evaluated: 2025-05-22. Review status: criteria provided, single submitter. Criteria: Invitae Variant Classification Sherloc (09022015). Collection method: clinical testing. Allele origin: germline.
Comment: This sequence change replaces proline, which is neutral and non-polar, with serine, which is neutral and polar, at codon 442 of the RASA1 protein (p.Pro442Ser). This variant is present in population databases (rs532587037, gnomAD 0.06%), and has an allele count higher than expected for a pathogenic variant. This variant has not been reported in the literature in individuals affected with RASA1-related conditions. ClinVar contains an entry for this variant (Variation ID: 659493). An algorithm developed to predict the effect of missense changes on protein structure and function (PolyPhen-2) suggests that this variant is likely to be tolerated. In summary, the available evidence is currently insufficient to determine the role of this variant in disease. Therefore, it has been classified as a Variant of Uncertain Significance.

Ambry Genetics
Classification: Likely benign for Cardiovascular phenotype. Last evaluated: 2019-02-01. Review status: criteria provided, single submitter. Criteria: Ambry Variant Classification Scheme 2023. Collection method: clinical testing. Allele origin: germline.

NM_002890.3(RASA1):c.1324C>T (p.Pro442Ser)

Genes: CCNH (cyclin H; minus strand), RASA1 (RAS p21 protein activator 1; plus strand). Cytogenetic location: 5q14.3.
Variant type: single nucleotide variant.
Coding change: c.1324C>T on transcript NM_002890.3 (MANE Select); coding-DNA position 1324, C replaced by T.
Protein change: p.Pro442Ser; replaces proline 442 with serine.
Molecular consequence: missense variant. On other transcripts: intron variant (1).
Genome position (GRCh38, 1-based): chr5:87,353,227, C>T. VCF-style: chr5-87353227-C-T. GRCh37 (hg19) VCF-style: chr5-86649044-C-T.
Other names: p.Pro442Ser; c.793C>T, p.Pro265Ser (NM_022650.3); c.934-40432G>A (NM_001364075.2); short protein forms P442S, P265S.
Identifiers: ClinVar variation 659493 (VCV000659493.13), dbSNP rs532587037, ClinGen allele CA3335709.